The following is an entry in ClinVar:

NM_000171.4(GLRA1):c.-164C>T

Gene: GLRA1 (glycine receptor alpha 1; minus strand). Cytogenetic location: 5q33.1.
Variant type: single nucleotide variant.
Coding change: c.-164C>T on transcript NM_000171.4 (MANE Select); 164 bases upstream of the start codon, C replaced by T.
Molecular consequence: 5 prime UTR variant.
Genome position (GRCh38, 1-based): chr5:151,924,713, G>A on the plus strand (C>T on the coding strand, the complement: GLRA1 is on the minus strand). VCF-style: chr5-151924713-G-A. GRCh37 (hg19) VCF-style: chr5-151304274-G-A.
Other names: c.-164C>T (NM_001146040.2); c.-285C>T (NM_001292000.2).
Identifiers: ClinVar variation 352327 (VCV000352327.6), dbSNP rs529450119, ClinGen allele CA10623659.

ClinVar aggregate classification (germline): Likely benign. Review status: criteria provided, multiple submitters, no conflicts (2 of 4 stars). 2 submissions from 2 submitters: Likely benign (2). Last evaluated 2017-04-27.

Conditions:
Hyperekplexia 1 (STHE). Also called: EXAGGERATED STARTLE REACTION; KOK DISEASE; STARTLE DISEASE, FAMILIAL; STIFF-BABY SYNDROME; STIFF-MAN SYNDROME, CONGENITAL; STIFF-PERSON SYNDROME, CONGENITAL. Identifiers: Orphanet 3197, MedGen C4551954, MONDO:0007868, OMIM 149400.

Allele frequency attached by ClinVar (database versions not stated): 1000 Genomes Project 0.00140; gnomAD 0.00154 and 0.00169; TOPMed 0.00202; 1000 Genomes Project 30x 0.00234.
gnomAD v4.1: 462 of 692,488 alleles (0.067%); highest among the groups gnomAD compares: African/African-American, 0.4%; 1 homozygote.

Submissions (2):

Illumina Laboratory Services, Illumina
Classification: Likely benign for Hyperekplexia 1. Last evaluated: 2017-04-27. Review status: criteria provided, single submitter. Criteria: ICSL Variant Classification Criteria 13 December 2019. Collection method: clinical testing. Allele origin: germline.
Comment: This variant was observed as part of a predisposition screen in an ostensibly healthy population. A literature search was performed for the gene, cDNA change, and amino acid change (where applicable). No publications were found based on this search. Allele frequency data from public databases allowed determination this variant is unlikely to cause disease. Therefore, this variant is classified as likely benign.

Breakthrough Genomics
Classification: Likely benign. Review status: criteria provided, single submitter. Criteria: ACMG Guidelines, 2015. Collection method: not provided. Allele origin: germline. Inheritance: Autosomal dominant inheritance. Affected: yes.